The following is an entry in ClinVar:

ClinVar aggregate classification (germline): Conflicting classifications of pathogenicity. Review status: criteria provided, conflicting classifications (1 of 4 stars). 2 submissions from 2 submitters: Uncertain significance (1); Likely benign (1). Last evaluated 2025-10-15.

Conditions:
KMT2D-related disorder. Also called: KMT2D-Related Disorders.
Kabuki syndrome. Also called: NIIKAWA-KUROKI SYNDROME; Kabuki make-up syndrome. Identifiers: Orphanet 2322, MedGen C0796004, MONDO:0016512.

Allele frequency attached by ClinVar (database versions not stated): gnomAD exomes below 0.00001 and 0.00001; TOPMed below 0.00001; ExAC 0.00001.
gnomAD v4.1: 12 of 1,612,628 alleles (0.00074%); highest among the groups gnomAD compares: South Asian, 0.0022%; no homozygotes.

Submissions (2):

PreventionGenetics, part of Exact Sciences
Classification: Uncertain significance for KMT2D-related condition. Last evaluated: 2025-10-15. Review status: criteria provided, single submitter. Criteria: ACMG Guidelines, 2015. Collection method: clinical testing. Allele origin: germline.
Comment: The KMT2D c.2141C>T variant is predicted to result in the amino acid substitution p.Ser714Leu. To our knowledge, this variant has not been reported in the literature. This variant is reported in 0.0033% of alleles in individuals of South Asian descent in gnomAD. At this time, the clinical significance of this variant is uncertain due to the absence of conclusive functional and genetic evidence.

Labcorp Genetics (formerly Invitae), Labcorp
Classification: Likely benign for Kabuki syndrome. Last evaluated: 2024-10-16. Review status: criteria provided, single submitter. Criteria: Invitae Variant Classification Sherloc (09022015). Collection method: clinical testing. Allele origin: germline.

NM_003482.4(KMT2D):c.2141C>T (p.Ser714Leu)

Gene: KMT2D (lysine methyltransferase 2D; minus strand). Cytogenetic location: 12q13.12.
Variant type: single nucleotide variant.
Coding change: c.2141C>T on transcript NM_003482.4 (MANE Select); coding-DNA position 2141, C replaced by T.
Protein change: p.Ser714Leu; replaces serine 714 with leucine.
Molecular consequence: missense variant.
Genome position (GRCh38, 1-based): chr12:49,051,542, G>A on the plus strand (C>T on the coding strand, the complement: KMT2D is on the minus strand). VCF-style: chr12-49051542-G-A. GRCh37 (hg19) VCF-style: chr12-49445325-G-A.
Other names: c.2141C>T (NM_003482.3); short protein forms S714L.
Identifiers: ClinVar variation 1645692 (VCV001645692.10), dbSNP rs747636808, ClinGen allele CA6548334.